The following is an entry in ClinVar:

ClinVar aggregate classification (germline): Conflicting classifications of pathogenicity. Review status: criteria provided, conflicting classifications (1 of 4 stars). 2 submissions from 2 submitters: Uncertain significance (1); Benign (1). Last evaluated 2023-04-01.

Conditions:
Neuroblastoma (NB). Identifiers: Orphanet 635, MedGen C0027819, MeSH D009447, MONDO:0005072, HP:0003006.

Allele frequency attached by ClinVar (database versions not stated): 1000 Genomes Project 0.00080; 1000 Genomes Project 30x 0.00094; TOPMed 0.00328; gnomAD 0.00329 and 0.00332; gnomAD exomes 0.00398.
gnomAD v4.1: 838 of 237,788 alleles (0.35%); highest among the groups gnomAD compares: Non-Finnish European, 0.57%; 1 homozygote.

Submissions (2):

CeGaT Center for Human Genetics Tuebingen
Classification: Benign. Last evaluated: 2023-04-01. Review status: criteria provided, single submitter. Criteria: CeGaT Center For Human Genetics Tuebingen Variant Classification Criteria Version 2. Collection method: clinical testing. Allele origin: germline. Affected: yes. Observed: 4 variant alleles.
Comment: KIF1B: BS1, BS2

Illumina Laboratory Services, Illumina
Classification: Uncertain significance for Neuroblastoma. Last evaluated: 2018-01-13. Review status: criteria provided, single submitter. Criteria: ICSL Variant Classification Criteria 13 December 2019. Collection method: clinical testing. Allele origin: germline.

NM_001365951.3(KIF1B):c.*2268C>T

Gene: KIF1B (kinesin family member 1B; plus strand). Cytogenetic location: 1p36.22.
Variant type: single nucleotide variant.
Coding change: c.*2268C>T on transcript NM_001365951.3 (MANE Select); 2268 bases downstream of the stop codon, C replaced by T.
Molecular consequence: 3 prime UTR variant.
Genome position (GRCh38, 1-based): chr1:10,378,855, C>T. VCF-style: chr1-10378855-C-T. GRCh37 (hg19) VCF-style: chr1-10438913-C-T.
Other names: c.*2268C>T (NM_001365952.1, NM_015074.3).
Identifiers: ClinVar variation 291620 (VCV000291620.33), dbSNP rs574858597, ClinGen allele CA10607297.
Genomic context (GRCh38, chr1:10,378,855, plus strand): 5'-TCACGGAGAGAGAAAGGAAAGGATAGAATCACAGGCTGCGTCTGCACCTGAAAAGTGACC[C>T]GCGGAAACTCTATGGCGGATTTTTTTTTTAACTTTCTTCTTCCTGTTAAAACATAGGTCA-3'